The following is an entry in ClinVar:

NM_000322.5(PRPH2):c.500G>A (p.Gly167Asp)

Gene: PRPH2 (peripherin 2; minus strand). Cytogenetic location: 6p21.1.
Variant type: single nucleotide variant.
Coding change: c.500G>A on transcript NM_000322.5 (MANE Select); coding-DNA position 500, G replaced by A.
Protein change: p.Gly167Asp; replaces glycine 167 with aspartic acid.
Molecular consequence: missense variant.
Genome position (GRCh38, 1-based): chr6:42,721,835, C>T on the plus strand (G>A on the coding strand, the complement: PRPH2 is on the minus strand). VCF-style: chr6-42721835-C-T. GRCh37 (hg19) VCF-style: chr6-42689573-C-T.
Other names: short protein forms G167D.
Identifiers: ClinVar variation 13169 (VCV000013169.10), dbSNP rs61755789, ClinGen allele CA122934.

ClinVar aggregate classification (germline): Pathogenic/Likely pathogenic. Review status: criteria provided, multiple submitters, no conflicts (2 of 4 stars). 7 submissions from 7 submitters: Pathogenic (3); Likely pathogenic (1). 3 of the submissions do not count toward it. Last evaluated 2026-01-21.

Conditions:
PRPH2-related disorder. Also called: PRPH2-related disorders; PRPH2-related condition. Identifiers: MedGen CN239395.
Patterned macular dystrophy 1. Also called: MACULAR DYSTROPHY, BUTTERFLY-SHAPED PIGMENTARY; BUTTERFLY DYSTROPHY OF RETINAL PIGMENT EPITHELIUM. Identifiers: Orphanet 99001, MedGen C4551999, MONDO:0008210, OMIM 169150.
Choroidal dystrophy, central areolar 2 (CACD2). Also called: Choriodal Dystrophy, Central Areolar 2; MACULAR DYSTROPHY, PROGRESSIVE. Identifiers: Orphanet 75377, MedGen C2751290, MONDO:0013137, OMIM 613105.

Submissions (7):

Institute of Human Genetics, University of Leipzig Medical Center
Classification: Likely pathogenic for Choroidal dystrophy, central areolar 2. Last evaluated: 2026-01-21. Review status: criteria provided, single submitter. Criteria: ACMG Guidelines, 2015. Collection method: clinical testing. Allele origin: unknown. Inheritance: Autosomal dominant inheritance. Affected: yes.
Comment: Criteria applied: PS4_MOD,PM2,PM5,PP3

Labcorp Genetics (formerly Invitae), Labcorp
Classification: Pathogenic for PRPH2-related disorder. Last evaluated: 2025-04-08. Review status: criteria provided, single submitter. Criteria: Invitae Variant Classification Sherloc (09022015). Collection method: clinical testing. Allele origin: germline.
Comment: This sequence change replaces glycine, which is neutral and non-polar, with aspartic acid, which is acidic and polar, at codon 167 of the PRPH2 protein (p.Gly167Asp). This variant is not present in population databases (gnomAD no frequency). This missense change has been observed in individuals with autosomal dominant pattern dystrophy (PMID: 28559085). ClinVar contains an entry for this variant (Variation ID: 13169). Invitae Evidence Modeling of protein sequence and biophysical properties (such as structural, functional, and spatial information, amino acid conservation, physicochemical variation, residue mobility, and thermodynamic stability) indicates that this missense variant is expected to disrupt PRPH2 protein function with a positive predictive value of 95%. This variant disrupts the p.Gly167 amino acid residue in PRPH2. Other variant(s) that disrupt this residue have been determined to be pathogenic (PMID: 16024869, 23591405, 25324289, 28559085). This suggests that this residue is clinically significant, and that variants that disrupt this residue are likely to be disease-causing. For these reasons, this variant has been classified as Pathogenic.

GeneDx
Classification: Pathogenic. Last evaluated: 2024-03-14. Review status: criteria provided, single submitter. Criteria: GeneDx Variant Classification Process June 2021. Collection method: clinical testing. Allele origin: germline. Affected: yes.
Comment: Not observed at significant frequency in large population cohorts (gnomAD); In silico analysis supports that this missense variant has a deleterious effect on protein structure/function; This variant is associated with the following publications: (PMID: 11673412, 8485574, 28559085, 31063015, 34411390, 9886097, 8045710, 7493155)

Blueprint Genetics
Classification: Pathogenic for PRPH2-related disorders. Last evaluated: 2022-09-15. Review status: criteria provided, single submitter. Criteria: ACMG Guidelines, 2015. Collection method: clinical testing. Allele origin: germline. Affected: yes. Observed: 1 variant allele.

Leiden Open Variation Database
Classification: Pathogenic. Last evaluated: 2021-04-06. Review status: no assertion criteria provided. Collection method: curation. Allele origin: germline. Affected: yes. Not counted in ClinVar's aggregate classification.
Comment: Curator: Global Variome, with Curator vacancy. Submitters to LOVD: LOVD, Manon Peeters.

OMIM
Classification: Pathogenic for MACULAR DYSTROPHY, PATTERNED, 1. Last evaluated: 1993-03-01. Review status: no assertion criteria provided. Collection method: literature only. Allele origin: germline. Not counted in ClinVar's aggregate classification.

Retina International
No classification provided. Review status: no classification provided. Collection method: not provided. Allele origin: not provided. Not counted in ClinVar's aggregate classification.

Literature cited by the submitters: PubMed 28559085 (cited by Labcorp Genetics (formerly Invitae), Labcorp and Leiden Open Variation Database); PubMed 16024869 (cited by Labcorp Genetics (formerly Invitae), Labcorp); PubMed 23591405 (cited by Labcorp Genetics (formerly Invitae), Labcorp); PubMed 25324289 (cited by Labcorp Genetics (formerly Invitae), Labcorp); PubMed 8045710 (cited by Leiden Open Variation Database); PubMed 8485574 (cited by Leiden Open Variation Database and OMIM); PubMed 31063015 (cited by Leiden Open Variation Database).